The following is an entry in ClinVar:

NM_001372044.2(SHANK3):c.3959C>T (p.Ala1320Val)

Gene: SHANK3 (SH3 and multiple ankyrin repeat domains 3; plus strand). Cytogenetic location: 22q13.33.
Variant type: single nucleotide variant.
Coding change: c.3959C>T on transcript NM_001372044.2 (MANE Select); coding-DNA position 3959, C replaced by T.
Protein change: p.Ala1320Val; replaces alanine 1320 with valine.
Molecular consequence: missense variant.
Genome position (GRCh38, 1-based): chr22:50,721,567, C>T. VCF-style: chr22-50721567-C-T. GRCh37 (hg19) VCF-style: chr22-51159995-C-T.
Other names: c.3734C>T (NM_033517.1); short protein forms A1320V.
Identifiers: ClinVar variation 1205863 (VCV001205863.8), dbSNP rs552332994, ClinGen allele CA10326119.
Genomic context (GRCh38, chr22:50,721,567, plus strand): 5'-GGGGGGCCGAAGAGGAGCGCCCGGGCACCCCGGAGTTGGCCCCGGCCCCCATGCAGTCAG[C>T]GGCTGTGGCAGAGCCCCTGCCCAGCCCCCGGGCCCAGCCCCCTGGTGGCACCCCGGCAGA-3'
Protein context (NP_001358973.1, residues 1310-1330): PELAPAPMQS[Ala1320Val]AVAEPLPSPR

ClinVar aggregate classification (germline): Benign/Likely benign. Review status: criteria provided, multiple submitters, no conflicts (2 of 4 stars). 4 submissions from 4 submitters: Benign (1); Likely benign (1). 2 of the submissions do not count toward it. Last evaluated 2026-02-01.

Allele frequency attached by ClinVar (database versions not stated): gnomAD 0.00011; ExAC 0.00019; gnomAD exomes 0.00038.

Submissions (4):

CeGaT Center for Human Genetics Tuebingen
Classification: Likely benign. Last evaluated: 2026-02-01. Review status: criteria provided, single submitter. Criteria: CeGaT Center For Human Genetics Tuebingen Variant Classification Criteria Version 2. Collection method: clinical testing. Allele origin: germline. Affected: yes. Observed: 1 variant allele.
Comment: SHANK3: BS1

GeneDx
Classification: Benign. Last evaluated: 2021-02-17. Review status: criteria provided, single submitter. Criteria: GeneDx Variant Classification Process June 2021. Collection method: clinical testing. Allele origin: germline. Affected: yes.

Genome Diagnostics Laboratory, University Medical Center Utrecht
Classification: Likely benign. Review status: no assertion criteria provided. Collection method: clinical testing. Allele origin: germline. Affected: yes. Study: VKGL Data-share Consensus. Not counted in ClinVar's aggregate classification.

Laboratory of Diagnostic Genome Analysis, Leiden University Medical Center (LUMC)
Classification: Likely benign. Review status: no assertion criteria provided. Collection method: clinical testing. Allele origin: germline. Affected: yes. Study: VKGL Data-share Consensus. Not counted in ClinVar's aggregate classification.